The following is an entry in ClinVar:

NM_001005373.4(LRSAM1):c.940C>T (p.Gln314Ter)

Gene: LRSAM1 (leucine rich repeat and sterile alpha motif containing 1; plus strand). Cytogenetic location: 9q33.3.
Variant type: single nucleotide variant.
Coding change: c.940C>T on transcript NM_001005373.4 (MANE Select); coding-DNA position 940, C replaced by T.
Protein change: p.Gln314Ter; replaces glutamine 314 with a stop codon.
Molecular consequence: nonsense. On other transcripts: non-coding transcript variant (2).
Genome position (GRCh38, 1-based): chr9:127,479,875, C>T. VCF-style: chr9-127479875-C-T. GRCh37 (hg19) VCF-style: chr9-130242154-C-T.
Other names: c.940C>T, p.Gln314Ter (NM_001005374.4, NM_001190723.3, NM_001384142.1 and 2 more transcripts); c.151C>T, p.Gln51Ter (NM_001384144.1); short protein forms Q51*, Q314*.
Identifiers: ClinVar variation 2737762 (VCV002737762.3), dbSNP rs1835471115, ClinGen allele CA374931438.

ClinVar aggregate classification (germline): Pathogenic (1 of 4 stars; one submission).

Conditions:
Charcot-Marie-Tooth disease axonal type 2P. Also called: Charcot-Marie-Tooth Neuropathy Type 2G; CHARCOT-MARIE-TOOTH DISEASE, AXONAL, TYPE 2G; CMT 2G; CHARCOT-MARIE-TOOTH NEUROPATHY, TYPE 2P. Identifiers: Orphanet 300319, Orphanet 99941, MedGen C3280797, MONDO:0013753, OMIM 614436.

Allele frequency attached by ClinVar (database versions not stated): gnomAD exomes below 0.00001.

Submission:

Labcorp Genetics (formerly Invitae), Labcorp
Classification: Pathogenic for Charcot-Marie-Tooth disease axonal type 2P. Last evaluated: 2023-12-04. Review status: criteria provided, single submitter. Criteria: Invitae Variant Classification Sherloc (09022015). Collection method: clinical testing. Allele origin: germline.
Comment: This sequence change creates a premature translational stop signal (p.Gln314*) in the LRSAM1 gene. It is expected to result in an absent or disrupted protein product. Loss-of-function variants in LRSAM1 are known to be pathogenic (PMID: 20865121, 33414056). This variant is not present in population databases (gnomAD no frequency). This variant has not been reported in the literature in individuals affected with LRSAM1-related conditions. For these reasons, this variant has been classified as Pathogenic.

Literature cited by the submitters: PubMed 20865121; PubMed 33414056.